The following is an entry in ClinVar:

NM_020987.5(ANK3):c.10717G>T (p.Asp3573Tyr)

Gene: ANK3 (ankyrin 3; minus strand). Cytogenetic location: 10q21.2.
Variant type: single nucleotide variant.
Coding change: c.10717G>T on transcript NM_020987.5 (MANE Select); coding-DNA position 10717, G replaced by T.
Protein change: p.Asp3573Tyr; replaces aspartic acid 3573 with tyrosine.
Molecular consequence: missense variant. On other transcripts: intron variant (4).
Genome position (GRCh38, 1-based): chr10:60,070,164, C>A on the plus strand (G>T on the coding strand, the complement: ANK3 is on the minus strand). VCF-style: chr10-60070164-C-A. GRCh37 (hg19) VCF-style: chr10-61829922-C-A.
Other names: c.4388-2155G>T (NM_001204403.2); c.4409-2155G>T (NM_001204404.2); c.4406-2155G>T (NM_001320874.2); c.1808-2155G>T (NM_001149.4); short protein forms D3573Y.
Identifiers: ClinVar variation 3257391 (VCV003257391.17).

ClinVar aggregate classification (germline): Uncertain significance (1 of 4 stars; one submission).

Submission:

CeGaT Center for Human Genetics Tuebingen
Classification: Uncertain significance. Last evaluated: 2024-07-01. Review status: criteria provided, single submitter. Criteria: CeGaT Center For Human Genetics Tuebingen Variant Classification Criteria Version 2. Collection method: clinical testing. Allele origin: germline. Affected: yes. Observed: 1 variant allele.
Comment: ANK3: PM2